The following is an entry in ClinVar:

NM_000548.5(TSC2):c.1640A>G (p.Glu547Gly)

Gene: TSC2 (TSC complex subunit 2; plus strand). Cytogenetic location: 16p13.3.
Variant type: single nucleotide variant.
Coding change: c.1640A>G on transcript NM_000548.5 (MANE Select); coding-DNA position 1640, A replaced by G.
Protein change: p.Glu547Gly; replaces glutamic acid 547 with glycine.
Molecular consequence: missense variant.
Genome position (GRCh38, 1-based): chr16:2,065,559, A>G. VCF-style: chr16-2065559-A-G. GRCh37 (hg19) VCF-style: chr16-2115560-A-G.
Other names: c.1640A>G, p.Glu547Gly (NM_001077183.3, NM_001114382.3, NM_001363528.2 and 3 more transcripts); c.1529A>G, p.Glu510Gly (NM_001318827.2); c.1493A>G, p.Glu498Gly (NM_001318829.2); c.1040A>G, p.Glu347Gly (NM_001318831.2); c.1673A>G, p.Glu558Gly (NM_001318832.2); short protein forms E347G, E547G, E498G, E510G, E558G.
Identifiers: ClinVar variation 837680 (VCV000837680.10), dbSNP rs2087231131, ClinGen allele CA394267869.
Genomic context (GRCh38, chr16:2,065,559, plus strand): 5'-TCCTGGCCTTCTCTTCAAAGGTGATGGCCCGCTCCCTCTCCCCACCCCCGGAGCTGGAAG[A>G]AAGGGATGTGGCCGCATACTCGGCCTCCTTGGAGGATGTGAAGACAGCCGTCCTGGGGCT-3'
Protein context (NP_000539.2, residues 537-557): RSLSPPPELE[Glu547Gly]RDVAAYSASL

ClinVar aggregate classification (germline): Uncertain significance. Review status: criteria provided, multiple submitters, no conflicts (2 of 4 stars). 2 submissions from 2 submitters: Uncertain significance (2). Last evaluated 2025-12-17.

Conditions:
Hereditary cancer-predisposing syndrome. Also called: Hereditary Cancer Syndrome; Tumor predisposition; Neoplastic Syndromes, Hereditary; Hereditary neoplastic syndrome. Identifiers: Orphanet 140162, MedGen C0027672, MeSH D009386, MONDO:0015356.
Tuberous sclerosis 2 (TSC2). Identifiers: Orphanet 805, MedGen C1860707, MONDO:0013199, OMIM 613254.

Submissions (2):

Ambry Genetics
Classification: Uncertain significance for Hereditary cancer-predisposing syndrome. Last evaluated: 2025-12-17. Review status: criteria provided, single submitter. Criteria: Ambry Variant Classification Scheme 2023. Collection method: clinical testing. Allele origin: germline.
Comment: The p.E547G variant (also known as c.1640A>G), located in coding exon 15 of the TSC2 gene, results from an A to G substitution at nucleotide position 1640. The glutamic acid at codon 547 is replaced by glycine, an amino acid with similar properties. This amino acid position is conserved. In addition, the in silico prediction for this alteration is inconclusive. Based on the available evidence, the clinical significance of this variant remains unclear.

Labcorp Genetics (formerly Invitae), Labcorp
Classification: Uncertain significance for Tuberous sclerosis 2. Last evaluated: 2022-11-28. Review status: criteria provided, single submitter. Criteria: Invitae Variant Classification Sherloc (09022015). Collection method: clinical testing. Allele origin: germline.
Comment: In summary, the available evidence is currently insufficient to determine the role of this variant in disease. Therefore, it has been classified as a Variant of Uncertain Significance. Advanced modeling of protein sequence and biophysical properties (such as structural, functional, and spatial information, amino acid conservation, physicochemical variation, residue mobility, and thermodynamic stability) performed at Invitae indicates that this missense variant is not expected to disrupt TSC2 protein function. ClinVar contains an entry for this variant (Variation ID: 837680). This variant has not been reported in the literature in individuals affected with TSC2-related conditions. This variant is not present in population databases (gnomAD no frequency). This sequence change replaces glutamic acid, which is acidic and polar, with glycine, which is neutral and non-polar, at codon 547 of the TSC2 protein (p.Glu547Gly).